The following is an entry in ClinVar:

NM_002439.5(MSH3):c.682A>G (p.Ile228Val)

Gene: MSH3 (mutS homolog 3; plus strand). Cytogenetic location: 5q14.1.
Variant type: single nucleotide variant.
Coding change: c.682A>G on transcript NM_002439.5 (MANE Select); coding-DNA position 682, A replaced by G.
Protein change: p.Ile228Val; replaces isoleucine 228 with valine.
Molecular consequence: missense variant.
Genome position (GRCh38, 1-based): chr5:80,670,199, A>G. VCF-style: chr5-80670199-A-G. GRCh37 (hg19) VCF-style: chr5-79966018-A-G.
Other names: short protein forms I228V.
Identifiers: ClinVar variation 972261 (VCV000972261.9), dbSNP rs1406164760, ClinGen allele CA360266746.

ClinVar aggregate classification (germline): Uncertain significance. Review status: criteria provided, multiple submitters, no conflicts (2 of 4 stars). 3 submissions from 3 submitters: Uncertain significance (3). Last evaluated 2025-08-03.

Conditions:
Hereditary cancer-predisposing syndrome. Also called: Hereditary Cancer Syndrome; Hereditary neoplastic syndrome; Tumor predisposition; Neoplastic Syndromes, Hereditary. Identifiers: Orphanet 140162, MedGen C0027672, MeSH D009386, MONDO:0015356.

Allele frequency attached by ClinVar (database versions not stated): gnomAD exomes below 0.00001; TOPMed below 0.00001; gnomAD 0.00001.
gnomAD v4.1: 6 of 1,614,066 alleles (0.00037%); highest among the groups gnomAD compares: Non-Finnish European, 0.00042%; no homozygotes.

Submissions (3):

GeneDx
Classification: Uncertain significance. Last evaluated: 2025-08-03. Review status: criteria provided, single submitter. Criteria: GeneDx Variant Classification Process June 2021. Collection method: clinical testing. Allele origin: germline. Affected: yes.
Comment: Not observed at significant frequency in large population cohorts (gnomAD); In silico analysis suggests that this missense variant does not alter protein structure/function; Has not been previously published as pathogenic or benign to our knowledge

Labcorp Genetics (formerly Invitae), Labcorp
Classification: Uncertain significance. Last evaluated: 2024-05-15. Review status: criteria provided, single submitter. Criteria: Invitae Variant Classification Sherloc (09022015). Collection method: clinical testing. Allele origin: germline.
Comment: This sequence change replaces isoleucine, which is neutral and non-polar, with valine, which is neutral and non-polar, at codon 228 of the MSH3 protein (p.Ile228Val). This variant is present in population databases (no rsID available, gnomAD no frequency). This variant has not been reported in the literature in individuals affected with MSH3-related conditions. ClinVar contains an entry for this variant (Variation ID: 972261). Algorithms developed to predict the effect of missense changes on protein structure and function output the following: SIFT: "Not Available"; PolyPhen-2: "Benign"; Align-GVGD: "Not Available". The valine amino acid residue is found in multiple mammalian species, which suggests that this missense change does not adversely affect protein function. In summary, the available evidence is currently insufficient to determine the role of this variant in disease. Therefore, it has been classified as a Variant of Uncertain Significance.

Ambry Genetics
Classification: Uncertain significance for Hereditary cancer-predisposing syndrome. Last evaluated: 2024-02-26. Review status: criteria provided, single submitter. Criteria: Ambry Variant Classification Scheme 2023. Collection method: clinical testing. Allele origin: germline.
Comment: The p.I228V variant (also known as c.682A>G), located in coding exon 4 of the MSH3 gene, results from an A to G substitution at nucleotide position 682. The isoleucine at codon 228 is replaced by valine, an amino acid with highly similar properties. This amino acid position is conserved. In addition, this alteration is predicted to be tolerated by in silico analysis. Since supporting evidence is limited at this time, the clinical significance of this alteration remains unclear.